The following is an entry in ClinVar:

ClinVar aggregate classification (germline): Uncertain significance. Review status: criteria provided, multiple submitters, no conflicts (2 of 4 stars). 4 submissions from 4 submitters: Uncertain significance (4). Last evaluated 2025-06-04.

Conditions:
Autoinflammation, panniculitis, and dermatosis syndrome, autosomal recessive (AIPDSB). Also called: OTULIN-RELATED AUTOINFLAMMATORY SYNDROME; OTULIPENIA. Identifiers: Orphanet 500062, MedGen C4310614, MONDO:0014912, OMIM 617099.

Allele frequency attached by ClinVar (database versions not stated): TOPMed below 0.00001; gnomAD 0.00001; gnomAD exomes 0.00002; ExAC 0.00011.
gnomAD v4.1: 28 of 1,214,748 alleles (0.0023%); highest among the groups gnomAD compares: South Asian, 0.1%; no homozygotes.

Submissions (4):

Labcorp Genetics (formerly Invitae), Labcorp
Classification: Uncertain significance. Last evaluated: 2025-06-04. Review status: criteria provided, single submitter. Criteria: Invitae Variant Classification Sherloc (09022015). Collection method: clinical testing. Allele origin: germline.
Comment: This sequence change replaces methionine, which is neutral and non-polar, with threonine, which is neutral and polar, at codon 6 of the OTULIN protein (p.Met6Thr). This variant is not present in population databases (gnomAD no frequency). This variant has not been reported in the literature in individuals affected with OTULIN-related conditions. ClinVar contains an entry for this variant (Variation ID: 1378534). An algorithm developed to predict the effect of missense changes on protein structure and function (PolyPhen-2) suggests that this variant is likely to be disruptive. In summary, the available evidence is currently insufficient to determine the role of this variant in disease. Therefore, it has been classified as a Variant of Uncertain Significance.

Ambry Genetics
Classification: Uncertain significance. Last evaluated: 2023-12-28. Review status: criteria provided, single submitter. Criteria: Ambry Variant Classification Scheme 2023. Collection method: clinical testing. Allele origin: germline.

Neuberg Centre For Genomic Medicine, NCGM
Classification: Uncertain significance for Autoinflammation, panniculitis, and dermatosis syndrome, autosomal recessive. Last evaluated: 2023-06-22. Review status: criteria provided, single submitter. Criteria: ACMG Guidelines, 2015. Collection method: clinical testing. Allele origin: germline. Inheritance: Autosomal recessive inheritance. Affected: yes.
Comment: The missense c.17T>C(p.Met6Thr) variant in OTULIN gene has not been reported previously as a pathogenic variant nor as a benign variant, to our knowledge. This variant is present with an allele frequency of 0% in gnomAD Exomes. This variant has been submitted to the ClinVar database as Uncertain significance. Computational evidence (Polyphen - Probably Damaging, SIFT - Damaging and MutationTaster -Polymorphism) predicts conflicting evidence on protein structure and function for this variant. The reference amino acid at this position in OTULIN is predicted as conserved by GERP++ and PhyloP across 100 vertebrates. The amino acid Met at position 6 is changed to a Thr changing protein sequence and it might alter its composition and physico-chemical properties. For these reasons, this variant has been classified as Variant of Uncertain Significance (VUS). In absence of another reportable variant in OTULIN gene, the molecular diagnosis is not confirmed.

Blueprint Genetics
Classification: Uncertain significance. Last evaluated: 2020-05-29. Review status: criteria provided, single submitter. Criteria: ACMG Guidelines, 2015. Collection method: clinical testing. Allele origin: germline.

NM_138348.6(OTULIN):c.17T>C (p.Met6Thr)

Gene: OTULIN (OTU deubiquitinase with linear linkage specificity; plus strand). Cytogenetic location: 5p15.2.
Variant type: single nucleotide variant.
Coding change: c.17T>C on transcript NM_138348.6 (MANE Select); coding-DNA position 17, T replaced by C.
Protein change: p.Met6Thr; replaces methionine 6 with threonine.
Molecular consequence: missense variant.
Genome position (GRCh38, 1-based): chr5:14,664,842, T>C. VCF-style: chr5-14664842-T-C. GRCh37 (hg19) VCF-style: chr5-14664951-T-C.
Other names: c.17T>C (NM_138348.4); short protein forms M6T.
Identifiers: ClinVar variation 1378534 (VCV001378534.11), dbSNP rs745608502, ClinGen allele CA3208501.